The following is an entry in ClinVar:

ClinVar aggregate classification (germline): Likely pathogenic (1 of 4 stars; one submission).

Submission:

GeneDx
Classification: Likely pathogenic. Last evaluated: 2016-03-02. Review status: criteria provided, single submitter. Criteria: GeneDx Variant Classification (06012015). Collection method: clinical testing. Allele origin: germline. Affected: yes.
Comment: The c.2568+1G>A variant in the ATP8A2 gene has not been reported previously as a pathogenic variant nor as a benign variant, to our knowledge. This splice site variant is predicted to destroy the canonical splice donor site in intron 26. It is predicted to cause abnormal gene splicing, either leading to an abnormal message that is subject to nonsense-mediated mRNA decay, or to an abnormal protein product if the message is used for protein translation. The c.2568+1G>A variant was not observed in approximately 6,400 individuals of European and African American ancestry in the NHLBI Exome Sequencing Project, indicating it is not a common benign variant in these populations. The c.2568+1G>A variant is a strong candidate for a pathogenic variant, however, the possibility it may be a rare benign variant cannot be excluded.

NM_016529.6(ATP8A2):c.2568+1G>A

Gene: ATP8A2 (ATPase phospholipid transporting 8A2). Cytogenetic location: 13q12.13.
Variant type: single nucleotide variant.
Coding change: c.2568+1G>A on transcript NM_016529.6 (MANE Select); the canonical splice donor site of the intron after coding-DNA position 2568, G replaced by A.
Molecular consequence: splice donor variant.
Genome position (GRCh38, 1-based): chr13:25,769,230, G>A. VCF-style: chr13-25769230-G-A. GRCh37 (hg19) VCF-style: chr13-26343368-G-A.
Other names: c.2568+1G>A (NM_001411005.1, NM_001411006.1); c.2448+1G>A (NM_001313741.1).
Identifiers: ClinVar variation 432060 (VCV000432060.2), dbSNP rs1555263787, ClinGen allele CA387681408.